The following is an entry in ClinVar:

ClinVar aggregate classification (germline): Uncertain significance (1 of 4 stars; one submission).

Conditions:
Charcot-Marie-Tooth disease type 4. Also called: Charcot-Marie-Tooth disease, type IV; Charcot-Marie-Tooth, Type 4. Identifiers: Orphanet 64749, MedGen C4082197, MONDO:0018995.

gnomAD v4.1: 4 of 1,567,116 alleles (0.00026%); highest among the groups gnomAD compares: Non-Finnish European, 0.00035%; no homozygotes.

Submission:

Labcorp Genetics (formerly Invitae), Labcorp
Classification: Uncertain significance for Charcot-Marie-Tooth disease type 4. Last evaluated: 2025-10-22. Review status: criteria provided, single submitter. Criteria: Invitae Variant Classification Sherloc (09022015). Collection method: clinical testing. Allele origin: germline.
Comment: This sequence change replaces arginine, which is basic and polar, with glycine, which is neutral and non-polar, at codon 196 of the PRX protein (p.Arg196Gly). This variant is not present in population databases (gnomAD no frequency). This variant has not been reported in the literature in individuals affected with PRX-related conditions. ClinVar contains an entry for this variant (Variation ID: 1057546). An algorithm developed to predict the effect of missense changes on protein structure and function (PolyPhen-2) suggests that this variant is likely to be tolerated. In summary, the available evidence is currently insufficient to determine the role of this variant in disease. Therefore, it has been classified as a Variant of Uncertain Significance.

NM_181882.3(PRX):c.586C>G (p.Arg196Gly)

Gene: PRX (periaxin; minus strand). Cytogenetic location: 19q13.2.
Variant type: single nucleotide variant.
Coding change: c.586C>G on transcript NM_181882.3 (MANE Select); coding-DNA position 586, C replaced by G.
Protein change: p.Arg196Gly; replaces arginine 196 with glycine.
Molecular consequence: missense variant. On other transcripts: 3 prime UTR variant (1).
Genome position (GRCh38, 1-based): chr19:40,397,766, G>C on the plus strand (C>G on the coding strand, the complement: PRX is on the minus strand). VCF-style: chr19-40397766-G-C. GRCh37 (hg19) VCF-style: chr19-40903673-G-C.
Other names: c.*791C>G (NM_020956.2); short protein forms R196G.
Identifiers: ClinVar variation 1057546 (VCV001057546.9), dbSNP rs104894706, ClinGen allele CA405900098.